The following is an entry in ClinVar:

NM_024685.4(BBS10):c.1923C>T (p.Pro641=)

Gene: BBS10 (Bardet-Biedl syndrome 10; minus strand). Cytogenetic location: 12q21.2.
Variant type: single nucleotide variant.
Coding change: c.1923C>T on transcript NM_024685.4 (MANE Select); coding-DNA position 1923, C replaced by T.
Protein change: p.Pro641=; no amino-acid change (proline 641 retained).
Molecular consequence: synonymous variant.
Genome position (GRCh38, 1-based): chr12:76,346,062, G>A on the plus strand (C>T on the coding strand, the complement: BBS10 is on the minus strand). VCF-style: chr12-76346062-G-A. GRCh37 (hg19) VCF-style: chr12-76739842-G-A.
Other names: c.1923C>T (NM_024685.3).
Identifiers: ClinVar variation 1136956 (VCV001136956.13), dbSNP rs201449351, ClinGen allele CA6694083.
Genomic context (GRCh38, chr12:76,346,062, plus strand): 5'-AGCTCTTATATATGTATGTGGAAAGCTGTACTTTCCTGTTTTAGATTTATAAAGGACTTT[G>A]GGAATGCCTAAAAGTGCATTAGCTATTATCATACTAACCATGGTTTCTTCTGATTGATGG-3'
Protein context (NP_078961.3, residues 631-651): MIIANALLGI[Pro641=]KVLYKSKTGK

ClinVar aggregate classification (germline): Likely benign. Review status: criteria provided, multiple submitters, no conflicts (2 of 4 stars). 4 submissions from 4 submitters: Likely benign (3). 1 of the submissions does not count toward it. Last evaluated 2025-12-03.

Conditions:
Bardet-Biedl syndrome (BBS). Identifiers: Orphanet 110, MedGen C0752166, MONDO:0015229.
BBS10-related disorder. Also called: BBS10-related condition.
Bardet-Biedl syndrome 10 (BBS10). Identifiers: Orphanet 110, MedGen C1859568, MONDO:0014438, OMIM 615987.

Allele frequency attached by ClinVar (database versions not stated): gnomAD exomes 0.00001 and 0.00002; ExAC 0.00003; TOPMed 0.00012; gnomAD 0.00015; 1000 Genomes Project 0.00060; 1000 Genomes Project 30x 0.00094.

Submissions (4):

Labcorp Genetics (formerly Invitae), Labcorp
Classification: Likely benign for Bardet-Biedl syndrome. Last evaluated: 2025-12-03. Review status: criteria provided, single submitter. Criteria: Invitae Variant Classification Sherloc (09022015). Collection method: clinical testing. Allele origin: germline.

Fulgent Genetics
Classification: Likely benign for Bardet-Biedl syndrome 10. Last evaluated: 2022-03-25. Review status: criteria provided, single submitter. Criteria: ACMG Guidelines, 2015. Collection method: clinical testing. Allele origin: unknown.

Blueprint Genetics
Classification: Likely benign. Last evaluated: 2022-01-26. Review status: criteria provided, single submitter. Criteria: ACMG Guidelines, 2015. Collection method: clinical testing. Allele origin: germline.

PreventionGenetics, part of Exact Sciences
Classification: Likely benign for BBS10-related condition. Last evaluated: 2020-10-05. Review status: no assertion criteria provided. Collection method: clinical testing. Allele origin: germline. Not counted in ClinVar's aggregate classification.
Comment: This variant is classified as likely benign based on ACMG/AMP sequence variant interpretation guidelines (Richards et al. 2015 PMID: 25741868, with internal and published modifications).